The following is an entry in ClinVar:

ClinVar aggregate classification (germline): Conflicting classifications of pathogenicity. Review status: criteria provided, conflicting classifications (1 of 4 stars). 5 submissions from 5 submitters: Uncertain significance (2); Benign (1); Likely benign (2). Last evaluated 2026-06-18.

Conditions:
Hereditary cancer-predisposing syndrome. Also called: Hereditary Cancer Syndrome; Hereditary neoplastic syndrome; Neoplastic Syndromes, Hereditary; Tumor predisposition. Identifiers: Orphanet 140162, MedGen C0027672, MeSH D009386, MONDO:0015356.
Retinoblastoma (RB1). Also called: RETINOBLASTOMA, SOMATIC. Identifiers: Orphanet 790, MedGen C0035335, MeSH D012175, MONDO:0008380, OMIM 180200, HP:0009919. Disease mechanism: loss of function. Inheritance: Both sporadic and heritable forms are tested..

Allele frequency attached by ClinVar (database versions not stated): gnomAD exomes 0.00004 and 0.00002; TOPMed 0.00001; ExAC 0.00008.
gnomAD v4.1: 17 of 1,602,248 alleles (0.0011%); highest among the groups gnomAD compares: Non-Finnish European, 0.0013%; no homozygotes.

Submissions (5):

Myriad Genetics, Inc.
Classification: Likely benign for Retinoblastoma. Last evaluated: 2026-06-18. Review status: criteria provided, single submitter. Criteria: Myriad Autosomal Dominant, Autosomal Recessive and X-Linked Classification Criteria (2023). Collection method: clinical testing. Allele origin: unknown.
Comment: This variant is considered likely benign. This variant has been observed at a population frequency that is significantly greater than expected given the associated disease prevalence and penetrance.

Labcorp Genetics (formerly Invitae), Labcorp
Classification: Benign for Retinoblastoma. Last evaluated: 2025-11-22. Review status: criteria provided, single submitter. Criteria: Invitae Variant Classification Sherloc (09022015). Collection method: clinical testing. Allele origin: germline.

All of Us Research Program, National Institutes of Health
Classification: Uncertain significance for Retinoblastoma. Last evaluated: 2024-04-16. Review status: criteria provided, single submitter. Criteria: ACMG Guidelines, 2015. Collection method: clinical testing. Allele origin: germline. Inheritance: Autosomal dominant inheritance. Observed: 4 variant alleles, 4 heterozygotes.
Comment: This missense variant replaces valine with aspartic acid at codon 314 of the RB1 protein. Computational prediction is inconclusive regarding the impact of this variant on protein structure and function. To our knowledge, functional studies have not been reported for this variant. This variant has not been reported in individuals affected with RB1-related disorders in the literature. This variant has been identified in 10/248564 chromosomes in the general population by the Genome Aggregation Database (gnomAD). The available evidence is insufficient to determine the role of this variant in disease conclusively. Therefore, this variant is classified as a Variant of Uncertain Significance.

This study involves interpretation of variants in research participants for the purpose of population health screening. Participant phenotype was not available at the time of variant classification. Additional details can be found in publication PMID: 35346344, PMCID: PMC8962531

Ambry Genetics
Classification: Likely benign for Hereditary cancer-predisposing syndrome. Last evaluated: 2023-02-28. Review status: criteria provided, single submitter. Criteria: Ambry Variant Classification Scheme 2023. Collection method: clinical testing. Allele origin: germline.

GeneDx
Classification: Uncertain significance. Last evaluated: 2022-07-14. Review status: criteria provided, single submitter. Criteria: GeneDx Variant Classification Process June 2021. Collection method: clinical testing. Allele origin: germline. Affected: yes.
Comment: In silico analysis supports that this missense variant does not alter protein structure/function; Has not been previously published as pathogenic or benign to our knowledge

NM_000321.3(RB1):c.941T>A (p.Val314Asp)

Gene: RB1 (RB transcriptional corepressor 1; plus strand). Cytogenetic location: 13q14.2.
Variant type: single nucleotide variant.
Coding change: c.941T>A on transcript NM_000321.3 (MANE Select); coding-DNA position 941, T replaced by A.
Protein change: p.Val314Asp; replaces valine 314 with aspartic acid.
Molecular consequence: missense variant.
Genome position (GRCh38, 1-based): chr13:48,367,495, T>A. VCF-style: chr13-48367495-T-A. GRCh37 (hg19) VCF-style: chr13-48941631-T-A.
Other names: short protein forms V314D.
Identifiers: ClinVar variation 698735 (VCV000698735.17), dbSNP rs780006952, ClinGen allele CA040028.